The following is an entry in ClinVar:

ClinVar aggregate classification (germline): Uncertain significance (1 of 4 stars; one submission).

Conditions:
Citrin deficiency. Identifiers: Orphanet 247582, MedGen C1997910, MONDO:0016602.

Allele frequency attached by ClinVar (database versions not stated): gnomAD exomes below 0.00001.
gnomAD v4.1: 2 of 1,611,852 alleles (0.00012%); highest among the groups gnomAD compares: Non-Finnish European, 0.000085%; no homozygotes.

Submission:

Labcorp Genetics (formerly Invitae), Labcorp
Classification: Uncertain significance for Citrin deficiency. Last evaluated: 2022-09-09. Review status: criteria provided, single submitter. Criteria: Invitae Variant Classification Sherloc (09022015). Collection method: clinical testing. Allele origin: germline.
Comment: This sequence change replaces tyrosine, which is neutral and polar, with cysteine, which is neutral and slightly polar, at codon 483 of the SLC25A13 protein (p.Tyr483Cys). This variant is not present in population databases (gnomAD no frequency). In summary, the available evidence is currently insufficient to determine the role of this variant in disease. Therefore, it has been classified as a Variant of Uncertain Significance. Advanced modeling of protein sequence and biophysical properties (such as structural, functional, and spatial information, amino acid conservation, physicochemical variation, residue mobility, and thermodynamic stability) performed at Invitae indicates that this missense variant is expected to disrupt SLC25A13 protein function. This variant has not been reported in the literature in individuals affected with SLC25A13-related conditions.

NM_014251.3(SLC25A13):c.1448A>G (p.Tyr483Cys)

Gene: SLC25A13 (solute carrier family 25 member 13; minus strand). Cytogenetic location: 7q21.3.
Variant type: single nucleotide variant.
Coding change: c.1448A>G on transcript NM_014251.3 (MANE Select); coding-DNA position 1448, A replaced by G.
Protein change: p.Tyr483Cys; replaces tyrosine 483 with cysteine.
Molecular consequence: missense variant. On other transcripts: non-coding transcript variant (1).
Genome position (GRCh38, 1-based): chr7:96,146,560, T>C on the plus strand (A>G on the coding strand, the complement: SLC25A13 is on the minus strand). VCF-style: chr7-96146560-T-C. GRCh37 (hg19) VCF-style: chr7-95775872-T-C.
Other names: c.1451A>G, p.Tyr484Cys (NM_001160210.2); short protein forms Y483C, Y484C.
Identifiers: ClinVar variation 2002390 (VCV002002390.4), dbSNP rs2485625894, ClinGen allele CA368255917.